The following is an entry in ClinVar:

ClinVar aggregate classification (germline): Benign. Review status: criteria provided, multiple submitters, no conflicts (2 of 4 stars). 3 submissions from 3 submitters: Benign (3). Last evaluated 2021-06-10.

Conditions:
Autosomal recessive Alport syndrome (ATS2). Also called: COL4A3-Related Nephropathy; Alport syndrome type 2; COL4A4 Alport Syndrome and Thin Basement Membrane Nephropathy; ALPORT SYNDROME 2, AUTOSOMAL RECESSIVE. Identifiers: Orphanet 63, Orphanet 88919, MedGen C4746745, MONDO:0008762, OMIM 203780.

Allele frequency attached by ClinVar (database versions not stated): 1000 Genomes Project 0.09505; 1000 Genomes Project 30x 0.09572; TOPMed 0.11696; ExAC 0.12245; ESP Exome Variant Server 0.12345; gnomAD exomes 0.12421; gnomAD 0.12451 and 0.12458.

Submissions (3):

Genome-Nilou Lab
Classification: Benign for Autosomal recessive Alport syndrome. Last evaluated: 2021-06-10. Review status: criteria provided, single submitter. Criteria: ACMG Guidelines, 2015. Collection method: clinical testing. Allele origin: germline. Affected: no.

GeneDx
Classification: Benign. Last evaluated: 2018-06-14. Review status: criteria provided, single submitter. Criteria: GeneDx Variant Classification (06012015). Collection method: clinical testing. Allele origin: germline. Affected: yes.
Comment: This variant is considered likely benign or benign based on one or more of the following criteria: it is a conservative change, it occurs at a poorly conserved position in the protein, it is predicted to be benign by multiple in silico algorithms, and/or has population frequency not consistent with disease.

Breakthrough Genomics
Classification: Benign. Review status: criteria provided, single submitter. Criteria: ACMG Guidelines, 2015. Collection method: not provided. Allele origin: germline. Inheritance: Autosomal recessive inheritance. Affected: yes.

NM_000091.5(COL4A3):c.3419-39C>T

Genes: MFF-DT (MFF divergent transcript; minus strand), COL4A3 (collagen type IV alpha 3 chain; plus strand). Cytogenetic location: 2q36.3.
Variant type: single nucleotide variant.
Coding change: c.3419-39C>T on transcript NM_000091.5 (MANE Select); 39 bases into the intron before coding-DNA position 3419, C replaced by T.
Molecular consequence: intron variant.
Genome position (GRCh38, 1-based): chr2:227,294,925, C>T. VCF-style: chr2-227294925-C-T. GRCh37 (hg19) VCF-style: chr2-228159641-C-T.
Identifiers: ClinVar variation 682504 (VCV000682504.5), dbSNP rs4675163, ClinGen allele CA2147220.